The following is an entry in ClinVar:

NM_022173.4(TIA1):c.985G>A (p.Val329Ile)

Gene: TIA1 (TIA1 cytotoxic granule associated RNA binding protein; minus strand). Cytogenetic location: 2p13.3.
Variant type: single nucleotide variant.
Coding change: c.985G>A on transcript NM_022173.4 (MANE Select); coding-DNA position 985, G replaced by A.
Protein change: p.Val329Ile; replaces valine 329 with isoleucine.
Molecular consequence: missense variant. On other transcripts: non-coding transcript variant (17).
Genome position (GRCh38, 1-based): chr2:70,214,398, C>T on the plus strand (G>A on the coding strand, the complement: TIA1 is on the minus strand). VCF-style: chr2-70214398-C-T. GRCh37 (hg19) VCF-style: chr2-70441530-C-T.
Other names: c.982G>A, p.Val328Ile (NM_001351508.2); c.958G>A, p.Val320Ile (NM_001351509.2); c.949G>A, p.Val317Ile (NM_001351510.2); c.874G>A, p.Val292Ile (NM_001351511.1); c.847G>A, p.Val283Ile (NM_001351512.1); c.841G>A, p.Val281Ile (NM_001351513.1); c.757G>A, p.Val253Ile (NM_001351514.2); c.682G>A, p.Val228Ile (NM_001351515.2); and 3 more; short protein forms V317I, V329I, V188I, V292I, V328I, V283I, V281I, V318I.
Identifiers: ClinVar variation 1415606 (VCV001415606.8), dbSNP rs780894412, ClinGen allele CA1697432.

ClinVar aggregate classification (germline): Uncertain significance (1 of 4 stars; one submission).

Conditions:
Welander distal myopathy (WDM). Also called: Welander distal myopathy, Swedish type; Distal myopathy, Swedish type; MUSCULAR DYSTROPHY, DISTAL, LATE-ONSET, AUTOSOMAL DOMINANT; Gower's muscular dystrophy. Identifiers: Orphanet 603, MedGen C0221054, MONDO:0011466, OMIM 604454.

Allele frequency attached by ClinVar (database versions not stated): ExAC 0.00001; gnomAD 0.00001.
gnomAD v4.1: 1 of 1,613,840 alleles (0.000062%); highest among the groups gnomAD compares: African/African-American, 0.0013%; no homozygotes.

Submission:

Labcorp Genetics (formerly Invitae), Labcorp
Classification: Uncertain significance for Welander distal myopathy. Last evaluated: 2023-10-13. Review status: criteria provided, single submitter. Criteria: Invitae Variant Classification Sherloc (09022015). Collection method: clinical testing. Allele origin: germline.
Comment: This sequence change replaces valine, which is neutral and non-polar, with isoleucine, which is neutral and non-polar, at codon 329 of the TIA1 protein (p.Val329Ile). This variant is present in population databases (rs780894412, gnomAD 0.007%). This variant has not been reported in the literature in individuals affected with TIA1-related conditions. ClinVar contains an entry for this variant (Variation ID: 1415606). An algorithm developed to predict the effect of missense changes on protein structure and function (PolyPhen-2) suggests that this variant is likely to be tolerated. In summary, the available evidence is currently insufficient to determine the role of this variant in disease. Therefore, it has been classified as a Variant of Uncertain Significance.